The following is an entry in ClinVar:

NM_006421.5(ARFGEF1):c.4565A>G (p.Lys1522Arg)

Gene: ARFGEF1 (ARF guanine nucleotide exchange factor 1; minus strand). Cytogenetic location: 8q13.2.
Variant type: single nucleotide variant.
Coding change: c.4565A>G on transcript NM_006421.5 (MANE Select); coding-DNA position 4565, A replaced by G.
Protein change: p.Lys1522Arg; replaces lysine 1522 with arginine.
Molecular consequence: missense variant. On other transcripts: non-coding transcript variant (1).
Genome position (GRCh38, 1-based): chr8:67,217,830, T>C on the plus strand (A>G on the coding strand, the complement: ARFGEF1 is on the minus strand). VCF-style: chr8-67217830-T-C. GRCh37 (hg19) VCF-style: chr8-68130065-T-C.
Other names: c.4565A>G, p.Lys1522Arg (NM_001413184.1, NM_001413185.1, NM_001413186.1 and 5 more transcripts); c.3965A>G, p.Lys1322Arg (NM_001413188.1, NM_001413193.1, NM_001413197.1); c.4559A>G, p.Lys1520Arg (NM_001413190.1); c.3140A>G, p.Lys1047Arg (NM_001413196.1); short protein forms K1047R, K1322R, K1520R, K1522R.
Identifiers: ClinVar variation 3910686 (VCV003910686.7).

ClinVar aggregate classification (germline): Likely benign. Review status: criteria provided, multiple submitters, no conflicts (2 of 4 stars). 2 submissions from 2 submitters: Likely benign (2). Last evaluated 2025-11-01.

gnomAD v4.1: 72 of 1,613,966 alleles (0.0045%); highest among the groups gnomAD compares: Non-Finnish European, 0.004%; no homozygotes.

Submissions (2):

CeGaT Center for Human Genetics Tuebingen
Classification: Likely benign. Last evaluated: 2025-11-01. Review status: criteria provided, single submitter. Criteria: CeGaT Center For Human Genetics Tuebingen Variant Classification Criteria Version 2. Collection method: clinical testing. Allele origin: germline. Affected: yes. Observed: 1 variant allele.
Comment: ARFGEF1: BS2

Laboratory of Genetics, Children's Clinical University Hospital Latvia
Classification: Likely benign. Last evaluated: 2025-02-16. Review status: criteria provided, single submitter. Criteria: ACMG Guidelines, 2015. Collection method: clinical testing. Allele origin: germline. Affected: yes.